The following is an entry in ClinVar:

NM_002633.3(PGM1):c.1495C>G (p.Arg499Gly)

Gene: PGM1 (phosphoglucomutase 1; plus strand). Cytogenetic location: 1p31.3.
Variant type: single nucleotide variant.
Coding change: c.1495C>G on transcript NM_002633.3 (MANE Select); coding-DNA position 1495, C replaced by G.
Protein change: p.Arg499Gly; replaces arginine 499 with glycine.
Molecular consequence: missense variant.
Genome position (GRCh38, 1-based): chr1:63,654,362, C>G. VCF-style: chr1-63654362-C-G. GRCh37 (hg19) VCF-style: chr1-64120033-C-G.
Other names: c.1549C>G, p.Arg517Gly (NM_001172818.1); c.904C>G, p.Arg302Gly (NM_001172819.2); short protein forms R517G, R302G, R499G.
Identifiers: ClinVar variation 3685392 (VCV003685392.2).

ClinVar aggregate classification (germline): Uncertain significance (1 of 4 stars; one submission).

Conditions:
PGM1-congenital disorder of glycosylation. Also called: Congenital disorder of glycosylation type 1t; PHOSPHOGLUCOMUTASE 1 DEFICIENCY; PGM1 DEFICIENCY; GLYCOGEN STORAGE DISEASE XIV; GSD XIV; CDG It. Identifiers: Orphanet 319646, MedGen C2752015, MONDO:0013968, OMIM 614921.

Submission:

Labcorp Genetics (formerly Invitae), Labcorp
Classification: Uncertain significance for PGM1-congenital disorder of glycosylation. Last evaluated: 2024-06-10. Review status: criteria provided, single submitter. Criteria: Invitae Variant Classification Sherloc (09022015). Collection method: clinical testing. Allele origin: germline.
Comment: This sequence change replaces arginine, which is basic and polar, with glycine, which is neutral and non-polar, at codon 499 of the PGM1 protein (p.Arg499Gly). This variant is not present in population databases (gnomAD no frequency). This variant has not been reported in the literature in individuals affected with PGM1-related conditions. Advanced modeling of protein sequence and biophysical properties (such as structural, functional, and spatial information, amino acid conservation, physicochemical variation, residue mobility, and thermodynamic stability) performed at Invitae indicates that this missense variant is expected to disrupt PGM1 protein function with a positive predictive value of 80%. In summary, the available evidence is currently insufficient to determine the role of this variant in disease. Therefore, it has been classified as a Variant of Uncertain Significance.